The following is an entry in ClinVar:

ClinVar aggregate classification (germline): Uncertain significance (1 of 4 stars; one submission).

Conditions:
46,XY sex reversal 6. Also called: 46,XY SEX REVERSAL, PARTIAL OR COMPLETE, MAP3K1-RELATED; 46,XY GONADAL DYSGENESIS, PARTIAL OR COMPLETE, MAP3K1-RELATED. Identifiers: MedGen C3151064, MONDO:0013410, OMIM 613762.

Allele frequency attached by ClinVar (database versions not stated): gnomAD 0.00001; TOPMed 0.00001; ESP Exome Variant Server 0.00008.

Submission:

Labcorp Genetics (formerly Invitae), Labcorp
Classification: Uncertain significance for 46,XY sex reversal 6. Last evaluated: 2022-04-09. Review status: criteria provided, single submitter. Criteria: Invitae Variant Classification Sherloc (09022015). Collection method: clinical testing. Allele origin: germline.
Comment: This sequence change replaces isoleucine, which is neutral and non-polar, with valine, which is neutral and non-polar, at codon 1440 of the MAP3K1 protein (p.Ile1440Val). This variant is not present in population databases (gnomAD no frequency). This variant has not been reported in the literature in individuals affected with MAP3K1-related conditions. This missense change has been observed in at least one individual who was not affected with MAP3K1-related conditions (Invitae). Algorithms developed to predict the effect of missense changes on protein structure and function are either unavailable or do not agree on the potential impact of this missense change (SIFT: "Deleterious"; PolyPhen-2: "Possibly Damaging"; Align-GVGD: "Class C0"). In summary, the available evidence is currently insufficient to determine the role of this variant in disease. Therefore, it has been classified as a Variant of Uncertain Significance.

NM_005921.2(MAP3K1):c.4318A>G (p.Ile1440Val)

Gene: MAP3K1 (mitogen-activated protein kinase kinase kinase 1; plus strand). Cytogenetic location: 5q11.2.
Variant type: single nucleotide variant.
Coding change: c.4318A>G on transcript NM_005921.2 (MANE Select); coding-DNA position 4318, A replaced by G.
Protein change: p.Ile1440Val; replaces isoleucine 1440 with valine.
Molecular consequence: missense variant.
Genome position (GRCh38, 1-based): chr5:56,888,286, A>G. VCF-style: chr5-56888286-A-G. GRCh37 (hg19) VCF-style: chr5-56184113-A-G.
Other names: short protein forms I1440V.
Identifiers: ClinVar variation 2198823 (VCV002198823.4), dbSNP rs202155960, ClinGen allele CA119086747.